The following is an entry in ClinVar:

NM_001371928.1(AHDC1):c.1133G>T (p.Gly378Val)

Gene: AHDC1 (AT-hook DNA binding motif containing 1; minus strand). Cytogenetic location: 1p36.11.
Variant type: single nucleotide variant.
Coding change: c.1133G>T on transcript NM_001371928.1 (MANE Select); coding-DNA position 1133, G replaced by T.
Protein change: p.Gly378Val; replaces glycine 378 with valine.
Molecular consequence: missense variant.
Genome position (GRCh38, 1-based): chr1:27,550,983, C>A on the plus strand (G>T on the coding strand, the complement: AHDC1 is on the minus strand). VCF-style: chr1-27550983-C-A. GRCh37 (hg19) VCF-style: chr1-27877494-C-A.
Other names: c.1133G>T, p.Gly378Val (NM_001029882.3); short protein forms G378V.
Identifiers: ClinVar variation 3673415 (VCV003673415.2).

ClinVar aggregate classification (germline): Uncertain significance (1 of 4 stars; one submission).

gnomAD v4.1: 10 of 1,586,282 alleles (0.00063%); highest among the groups gnomAD compares: South Asian, 0.0079%; no homozygotes.

Submission:

Labcorp Genetics (formerly Invitae), Labcorp
Classification: Uncertain significance. Last evaluated: 2024-10-24. Review status: criteria provided, single submitter. Criteria: Invitae Variant Classification Sherloc (09022015). Collection method: clinical testing. Allele origin: germline.
Comment: This sequence change replaces glycine, which is neutral and non-polar, with valine, which is neutral and non-polar, at codon 378 of the AHDC1 protein (p.Gly378Val). The frequency data for this variant in the population databases is considered unreliable, as metrics indicate poor data quality at this position in the gnomAD database. This variant has not been reported in the literature in individuals affected with AHDC1-related conditions. An algorithm developed to predict the effect of missense changes on protein structure and function (PolyPhen-2) suggests that this variant is likely to be disruptive. In summary, the available evidence is currently insufficient to determine the role of this variant in disease. Therefore, it has been classified as a Variant of Uncertain Significance.